The following is an entry in ClinVar:

NM_001408.3(CELSR2):c.5077C>T (p.Arg1693Trp)

Gene: CELSR2 (cadherin EGF LAG seven-pass G-type receptor 2; plus strand). Cytogenetic location: 1p13.3.
Variant type: single nucleotide variant.
Coding change: c.5077C>T on transcript NM_001408.3 (MANE Select); coding-DNA position 5077, C replaced by T.
Protein change: p.Arg1693Trp; replaces arginine 1693 with tryptophan.
Molecular consequence: missense variant.
Genome position (GRCh38, 1-based): chr1:109,264,153, C>T. VCF-style: chr1-109264153-C-T. GRCh37 (hg19) VCF-style: chr1-109806775-C-T.
Other names: short protein forms R1693W.
Identifiers: ClinVar variation 2903290 (VCV002903290.3), dbSNP rs571556540, ClinGen allele CA987429.

ClinVar aggregate classification (germline): Uncertain significance (1 of 4 stars; one submission).

Allele frequency attached by ClinVar (database versions not stated): TOPMed 0.00001; gnomAD 0.00004; gnomAD exomes 0.00004; ExAC 0.00008; 1000 Genomes Project 0.00020; 1000 Genomes Project 30x 0.00031.
gnomAD v4.1: 70 of 1,609,808 alleles (0.0043%); highest among the groups gnomAD compares: Admixed American, 0.005%; no homozygotes.

Submission:

Labcorp Genetics (formerly Invitae), Labcorp
Classification: Uncertain significance. Last evaluated: 2023-09-08. Review status: criteria provided, single submitter. Criteria: Invitae Variant Classification Sherloc (09022015). Collection method: clinical testing. Allele origin: germline.
Comment: In summary, the available evidence is currently insufficient to determine the role of this variant in disease. Therefore, it has been classified as a Variant of Uncertain Significance. This sequence change replaces arginine, which is basic and polar, with tryptophan, which is neutral and slightly polar, at codon 1693 of the CELSR2 protein (p.Arg1693Trp). This variant is present in population databases (rs571556540, gnomAD 0.09%), and has an allele count higher than expected for a pathogenic variant. This variant has not been reported in the literature in individuals affected with CELSR2-related conditions. Advanced modeling of protein sequence and biophysical properties (such as structural, functional, and spatial information, amino acid conservation, physicochemical variation, residue mobility, and thermodynamic stability) performed at Invitae indicates that this missense variant is not expected to disrupt CELSR2 protein function.